The following is an entry in ClinVar:

ClinVar aggregate classification (germline): Likely benign. Review status: criteria provided, multiple submitters, no conflicts (2 of 4 stars). 3 submissions from 3 submitters: Likely benign (3). Last evaluated 2026-09-01.

Conditions:
RYR1-related disorder. Also called: RYR1-related condition; RYR1-related disorders. Identifiers: MedGen CN239331.

Allele frequency attached by ClinVar (database versions not stated): TOPMed below 0.00001; gnomAD exomes 0.00002; ExAC 0.00004; gnomAD 0.00006.
gnomAD v4.1: 17 of 1,613,832 alleles (0.0011%); highest among the groups gnomAD compares: South Asian, 0.013%; no homozygotes.

Submissions (3):

CeGaT Center for Human Genetics Tuebingen
Classification: Likely benign. Last evaluated: 2026-09-01. Review status: criteria provided, single submitter. Criteria: CeGaT Center For Human Genetics Tuebingen Variant Classification Criteria Version 2. Collection method: clinical testing. Allele origin: germline. Affected: yes. Observed: 1 variant allele.
Comment: RYR1: BP4, BP7

Labcorp Genetics (formerly Invitae), Labcorp
Classification: Likely benign for RYR1-related disorder. Last evaluated: 2025-08-06. Review status: criteria provided, single submitter. Criteria: Invitae Variant Classification Sherloc (09022015). Collection method: clinical testing. Allele origin: germline.

GeneDx
Classification: Likely benign. Last evaluated: 2017-10-17. Review status: criteria provided, single submitter. Criteria: GeneDx Variant Classification (06012015). Collection method: clinical testing. Allele origin: germline. Affected: yes.
Comment: This variant is considered likely benign or benign based on one or more of the following criteria: it is a conservative change, it occurs at a poorly conserved position in the protein, it is predicted to be benign by multiple in silico algorithms, and/or has population frequency not consistent with disease.

NM_000540.3(RYR1):c.4416G>A (p.Thr1472=)

Gene: RYR1 (ryanodine receptor 1; plus strand). Cytogenetic location: 19q13.2.
Variant type: single nucleotide variant.
Coding change: c.4416G>A on transcript NM_000540.3 (MANE Select); coding-DNA position 4416, G replaced by A.
Protein change: p.Thr1472=; no amino-acid change (threonine 1472 retained).
Molecular consequence: synonymous variant.
Genome position (GRCh38, 1-based): chr19:38,477,832, G>A. VCF-style: chr19-38477832-G-A. GRCh37 (hg19) VCF-style: chr19-38968472-G-A.
Other names: c.4416G>A, p.Thr1472= (NM_001042723.2).
Identifiers: ClinVar variation 512717 (VCV000512717.10), dbSNP rs756225550, ClinGen allele CA066032.